The following is an entry in ClinVar:

ClinVar aggregate classification (germline): Pathogenic (1 of 4 stars; one submission).

Conditions:
GM1 gangliosidosis. Identifiers: Orphanet 354, MedGen C0085131, MONDO:0018149.
Mucopolysaccharidosis, MPS-IV-B (MPS4B). Also called: MORQUIO SYNDROME B; Mucopolysaccharidosis type IV B; Mucopolysaccharidosis Type IVB; Mucopolysaccharidosis type 4B; Mucopolysaccharidosis type IVB (Morquio); MPS IVB. Identifiers: Orphanet 309310, Orphanet 582, MedGen C0086652, MONDO:0009660, OMIM 253010.

Submission:

Labcorp Genetics (formerly Invitae), Labcorp
Classification: Pathogenic for Mucopolysaccharidosis, MPS-IV-B; GM1 gangliosidosis. Last evaluated: 2022-08-09. Review status: criteria provided, single submitter. Criteria: Invitae Variant Classification Sherloc (09022015). Collection method: clinical testing. Allele origin: germline.
Comment: This variant is a gross deletion of the genomic region encompassing exon(s) 15 of the GLB1 gene. This variant would be expected to be in-frame, preserving the integrity of the reading frame. This variant has not been reported in the literature in individuals affected with GLB1-related conditions. This variant disrupts a region of the GLB1 protein in which other variant(s) (p.Pro549Leu) have been determined to be pathogenic (PMID: 17221873, 17309651, 21520340, 22234367). This suggests that this is a clinically significant region of the protein, and that variants that disrupt it are likely to be disease-causing. For these reasons, this variant has been classified as Pathogenic.

Literature cited by the submitters: PubMed 17221873; PubMed 17309651; PubMed 21520340; PubMed 22234367.

NC_000003.11:g.(?_33055538)_(33055812_?)del

Gene: GLB1 (galactosidase beta 1; minus strand). Cytogenetic location: 3p22.3.
Variant type: Deletion.
Identifiers: ClinVar variation 2423032 (VCV002423032.3).